The following is an entry in ClinVar:

NM_000255.4(MMUT):c.1673C>T (p.Ala558Val)

Gene: MMUT (methylmalonyl-CoA mutase; minus strand). Cytogenetic location: 6p12.3.
Variant type: single nucleotide variant.
Coding change: c.1673C>T on transcript NM_000255.4 (MANE Select); coding-DNA position 1673, C replaced by T.
Protein change: p.Ala558Val; replaces alanine 558 with valine.
Molecular consequence: missense variant.
Genome position (GRCh38, 1-based): chr6:49,444,642, G>A on the plus strand (C>T on the coding strand, the complement: MMUT is on the minus strand). VCF-style: chr6-49444642-G-A. GRCh37 (hg19) VCF-style: chr6-49412355-G-A.
Other names: NC_000006.11:g.49412355G>A; short protein forms A558V.
Identifiers: ClinVar variation 978694 (VCV000978694.5), dbSNP rs1289671563, ClinGen allele CA364396426.

ClinVar aggregate classification (germline): Conflicting classifications of pathogenicity. Review status: criteria provided, conflicting classifications (1 of 4 stars). 3 submissions from 3 submitters: Likely pathogenic (1); Uncertain significance (1). 1 of the submissions does not count toward it. Last evaluated 2026-01-21.

Conditions:
Methylmalonic aciduria due to methylmalonyl-CoA mutase deficiency (MAMM). Also called: Methylmalonic aciduria, mut type. Identifiers: Orphanet 27, MedGen C1855114, MONDO:0009612, OMIM 251000.

Allele frequency attached by ClinVar (database versions not stated): gnomAD below 0.00001 and 0.00001; gnomAD exomes below 0.00001 and 0.00001.

Submissions (4):

Myriad Genetics, Inc.
Classification: Uncertain significance for Methylmalonic aciduria due to methylmalonyl-CoA mutase deficiency. Last evaluated: 2026-01-21. Review status: criteria provided, single submitter. Criteria: Myriad Autosomal Dominant, Autosomal Recessive and X-Linked Classification Criteria (2023). Collection method: clinical testing. Allele origin: unknown.
Comment: NM_000255.3(MMUT):c.1673C>T(A558V) is a missense variant classified as a variant of uncertain significance in the context of methylmalonic acidemia, MMUT-related. A558V has been observed in a case with relevant disease (PMID: 39075538). Relevant functional assessments of this variant are not available in the literature. A558V has been observed in referenced population frequency databases. In summary, there is insufficient evidence to classify NM_000255.3(MMUT):c.1673C>T(A558V) as pathogenic or benign. Please note: this variant was assessed in the context of healthy population screening.

Victorian Clinical Genetics Services, Murdoch Childrens Research Institute
Classification: Likely pathogenic for Methylmalonic aciduria due to methylmalonyl-CoA mutase deficiency. Last evaluated: 2025-08-22. Review status: criteria provided, single submitter. Criteria: ACMG Guidelines, 2015. Collection method: clinical testing. Allele origin: germline. Affected: no.
Comment: This variant is classified as Likely pathogenic. Evidence in support of pathogenic classification: Variant is present in gnomAD <0.01 for a recessive condition (v4: 5 heterozygote(s), 0 homozygote(s)); This variant has limited previous evidence of pathogenicity in an unrelated individual(s). Another missense variant comparable to the one identified in this case has limited previous evidence for pathogenicity. Additional information: Variant is predicted to result in a missense amino acid change from Ala to Val; This variant is heterozygous; This gene is associated with autosomal recessive disease; Alternative amino acid change(s) at the same position are present in gnomAD (v4: 1 heterozygote(s), 0 homozygote(s)); No published evidence of segregation with disease has been identified for this variant; No published functional evidence has been identified for this variant; Variant is located in the annotated methylmalonyl-CoA mutase domain (DECIPHER); Missense variant with inconclusive in silico prediction and uninformative conservation; Loss of function is a known mechanism of disease in this gene and is associated with methylmalonic aciduria, mut(0) type (MIM#251000).

Genetics and Prenatal Diagnosis Center, The First Affiliated Hospital of Zhengzhou University
Classification: Likely pathogenic for Methylmalonic aciduria due to methylmalonyl-CoA mutase deficiency. Last evaluated: 2020-01-01. Review status: no assertion criteria provided. Collection method: clinical testing. Allele origin: germline. Affected: yes. Not counted in ClinVar's aggregate classification.

Dr. Peter K. Rogan Lab, Western University
No classification provided (evidence only). Condition: Ovarian serous cystadenocarcinoma. Review status: no classification provided. Collection method: in vitro. Allele origin: not applicable. Functional consequence: retained intron. Not counted in ClinVar's aggregate classification.

Literature cited by the submitters: PubMed 39075538 (cited by Myriad Genetics, Inc.); PubMed 34668645 (cited by Victorian Clinical Genetics Services, Murdoch Childrens Research Institute); PubMed 28811685 (cited by Victorian Clinical Genetics Services, Murdoch Childrens Research Institute).